The following is an entry in ClinVar:

NM_001987.5(ETV6):c.1127T>A (p.Leu376Gln)

Genes: ETV6 (ETS variant transcription factor 6; plus strand), LOC126861452 (CDK7 strongly-dependent group 2 enhancer GRCh37_chr12:12037195-12038394; plus strand). Cytogenetic location: 12p13.2.
Variant type: single nucleotide variant.
Coding change: c.1127T>A on transcript NM_001987.5 (MANE Select); coding-DNA position 1127, T replaced by A.
Protein change: p.Leu376Gln; replaces leucine 376 with glutamine.
Molecular consequence: missense variant. On other transcripts: intron variant (1).
Genome position (GRCh38, 1-based): chr12:11,884,562, T>A. VCF-style: chr12-11884562-T-A. GRCh37 (hg19) VCF-style: chr12-12037496-T-A.
Other names: c.1124T>A, p.Leu375Gln (NM_001413913.1); c.1100T>A, p.Leu367Gln (NM_001413914.1); c.863T>A, p.Leu288Gln (NM_001413915.1); c.1010-6379T>A (NM_001413917.1); short protein forms L288Q, L367Q, L375Q, L376Q.
Identifiers: ClinVar variation 3037062 (VCV003037062.2), dbSNP rs2498176974, ClinGen allele CA384044728.

ClinVar aggregate classification (germline): Uncertain significance (0 of 4 stars; one submission).

Conditions:
ETV6-related disorder. Also called: ETV6-related condition.

Submission:

PreventionGenetics, part of Exact Sciences
Classification: Uncertain significance for ETV6-related condition. Last evaluated: 2024-05-30. Review status: no assertion criteria provided. Collection method: clinical testing. Allele origin: germline.
Comment: The ETV6 c.1127T>A variant is predicted to result in the amino acid substitution p.Leu376Gln. This variant has been reported in a cohort study with acute myeloid leukemia (Fenwarth et al. 2021. PubMed ID: 32554555. Table S2). This variant has not been reported in a large population database, indicating this variant is rare. At this time, the clinical significance of this variant is uncertain due to the absence of conclusive functional and genetic evidence.